The following is an entry in ClinVar:

ClinVar aggregate classification (germline): Uncertain significance (1 of 4 stars; one submission).

Submission:

GeneDx
Classification: Uncertain significance. Last evaluated: 2024-03-22. Review status: criteria provided, single submitter. Criteria: GeneDx Variant Classification Process June 2021. Collection method: clinical testing. Allele origin: germline. Affected: yes.
Comment: Not observed at significant frequency in large population cohorts (gnomAD); In silico analysis supports that this missense variant does not alter protein structure/function; Has not been previously published as pathogenic or benign to our knowledge

NM_006015.6(ARID1A):c.1201T>C (p.Tyr401His)

Gene: ARID1A (AT-rich interaction domain 1A; plus strand). Cytogenetic location: 1p36.11.
Variant type: single nucleotide variant.
Coding change: c.1201T>C on transcript NM_006015.6 (MANE Select); coding-DNA position 1201, T replaced by C.
Protein change: p.Tyr401His; replaces tyrosine 401 with histidine.
Molecular consequence: missense variant.
Genome position (GRCh38, 1-based): chr1:26,729,714, T>C. VCF-style: chr1-26729714-T-C. GRCh37 (hg19) VCF-style: chr1-27056205-T-C.
Other names: c.1201T>C, p.Tyr401His (NM_139135.4); short protein forms Y401H.
Identifiers: ClinVar variation 3371230 (VCV003371230.1).